The following is an entry in ClinVar:

ClinVar aggregate classification (germline): Uncertain significance (1 of 4 stars; one submission).

Allele frequency attached by ClinVar (database versions not stated): gnomAD 0.00001; ExAC 0.00002; gnomAD exomes 0.00003.
gnomAD v4.1: 40 of 1,613,786 alleles (0.0025%); highest among the groups gnomAD compares: South Asian, 0.026%; 1 homozygote.

Submission:

Labcorp Genetics (formerly Invitae), Labcorp
Classification: Uncertain significance. Last evaluated: 2023-09-14. Review status: criteria provided, single submitter. Criteria: Invitae Variant Classification Sherloc (09022015). Collection method: clinical testing. Allele origin: germline.
Comment: This sequence change replaces leucine, which is neutral and non-polar, with phenylalanine, which is neutral and non-polar, at codon 576 of the NTRK2 protein (p.Leu576Phe). This variant is present in population databases (rs752976453, gnomAD 0.03%). This variant has not been reported in the literature in individuals affected with NTRK2-related conditions. Advanced modeling of protein sequence and biophysical properties (such as structural, functional, and spatial information, amino acid conservation, physicochemical variation, residue mobility, and thermodynamic stability) has been performed at Invitae for this missense variant, however the output from this modeling did not meet the statistical confidence thresholds required to predict the impact of this variant on NTRK2 protein function. In summary, the available evidence is currently insufficient to determine the role of this variant in disease. Therefore, it has been classified as a Variant of Uncertain Significance.

NM_006180.6(NTRK2):c.1726C>T (p.Leu576Phe)

Gene: NTRK2 (neurotrophic receptor tyrosine kinase 2; plus strand). Cytogenetic location: 9q21.33.
Variant type: single nucleotide variant.
Coding change: c.1726C>T on transcript NM_006180.6 (MANE Select); coding-DNA position 1726, C replaced by T.
Protein change: p.Leu576Phe; replaces leucine 576 with phenylalanine.
Molecular consequence: missense variant.
Genome position (GRCh38, 1-based): chr9:84,934,254, C>T. VCF-style: chr9-84934254-C-T. GRCh37 (hg19) VCF-style: chr9-87549169-C-T.
Other names: c.1678C>T, p.Leu560Phe (NM_001018064.3, NM_001369532.1, NM_001369533.1); c.1642C>T, p.Leu548Phe (NM_001369534.1); c.1210C>T, p.Leu404Phe (NM_001369535.1); c.1258C>T, p.Leu420Phe (NM_001369536.1); c.1726C>T, p.Leu576Phe (NM_001381928.1); short protein forms L404F, L420F, L560F, L548F, L576F.
Identifiers: ClinVar variation 2718830 (VCV002718830.3), dbSNP rs752976453, ClinGen allele CA5105825.